The following is an entry in ClinVar:

NM_006031.6(PCNT):c.5248C>T (p.Gln1750Ter)

Gene: PCNT (pericentrin; plus strand). Cytogenetic location: 21q22.3.
Variant type: single nucleotide variant.
Coding change: c.5248C>T on transcript NM_006031.6 (MANE Select); coding-DNA position 5248, C replaced by T.
Protein change: p.Gln1750Ter; replaces glutamine 1750 with a stop codon.
Molecular consequence: nonsense.
Genome position (GRCh38, 1-based): chr21:46,411,321, C>T. VCF-style: chr21-46411321-C-T. GRCh37 (hg19) VCF-style: chr21-47831235-C-T.
Other names: c.4894C>T, p.Gln1632Ter (NM_001315529.2); short protein forms Q1632*, Q1750*.
Identifiers: ClinVar variation 3691587 (VCV003691587.2).
Genomic context (GRCh38, chr21:46,411,321, plus strand): 5'-CGATTACAAAAGGAGAAAGCAGAGGAAATTGAACAACTCCATGAAGTCATTGAGAAGCTG[C>T]AGCACGAGCTGTCCCTCATGGGGCCTGTGGTGCACGAAGTCAGCGACAGTCAGGCTGGCA-3'

ClinVar aggregate classification (germline): Pathogenic (1 of 4 stars; one submission).

gnomAD v4.1: 3 of 1,614,220 alleles (0.00019%); highest among the groups gnomAD compares: Admixed American, 0.0033%; no homozygotes.

Submission:

Labcorp Genetics (formerly Invitae), Labcorp
Classification: Pathogenic. Last evaluated: 2024-09-14. Review status: criteria provided, single submitter. Criteria: Invitae Variant Classification Sherloc (09022015). Collection method: clinical testing. Allele origin: germline.
Comment: This sequence change creates a premature translational stop signal (p.Gln1750*) in the PCNT gene. It is expected to result in an absent or disrupted protein product. Loss-of-function variants in PCNT are known to be pathogenic (PMID: 18174396, 22821869). This variant is not present in population databases (gnomAD no frequency). This variant has not been reported in the literature in individuals affected with PCNT-related conditions. For these reasons, this variant has been classified as Pathogenic.

Literature cited by the submitters: PubMed 18174396; PubMed 22821869.